The following is an entry in ClinVar:

ClinVar aggregate classification (germline): Uncertain significance. Review status: criteria provided, multiple submitters, no conflicts (2 of 4 stars). 2 submissions from 2 submitters: Uncertain significance (2). Last evaluated 2024-03-06.

Conditions:
Catecholaminergic polymorphic ventricular tachycardia 1. Also called: VENTRICULAR TACHYCARDIA, STRESS-INDUCED POLYMORPHIC 1; VENTRICULAR TACHYCARDIA, CATECHOLAMINERGIC POLYMORPHIC, 1, WITH OR WITHOUT ATRIAL DYSFUNCTION AND/OR DILATED CARDIOMYOPATHY; RYR2-Related Catecholaminergic Polymorphic Ventricular Tachycardia. Identifiers: Orphanet 3286, MedGen C1631597, MONDO:0011484, OMIM 604772.
Cardiomyopathy (CMYO). Also called: Cardiomyopathies. Identifiers: Orphanet 167848, MedGen C0878544, MONDO:0004994, HP:0001638. Inheritance: Various modes of inheritance.

gnomAD v4.1: 1 of 1,522,616 alleles (0.000066%); no homozygotes.

Submissions (2):

Color Diagnostics, LLC DBA Color Health
Classification: Uncertain significance for Cardiomyopathy. Last evaluated: 2024-03-06. Review status: criteria provided, single submitter. Criteria: ACMG Guidelines, 2015. Collection method: clinical testing. Allele origin: germline.
Comment: This missense variant replaces serine with glycine at codon 2797 of the RYR2 protein. Computational prediction suggests that this variant may not impact protein structure and function (internally defined REVEL score threshold <= 0.5, PMID: 27666373). To our knowledge, functional studies have not been reported for this variant. This variant has not been reported in individuals affected with cardiovascular disorders in the literature. This variant has not been identified in the general population by the Genome Aggregation Database (gnomAD). The available evidence is insufficient to determine the role of this variant in disease conclusively. Therefore, this variant is classified as a Variant of Uncertain Significance.

Labcorp Genetics (formerly Invitae), Labcorp
Classification: Uncertain significance for Catecholaminergic polymorphic ventricular tachycardia 1. Last evaluated: 2023-05-01. Review status: criteria provided, single submitter. Criteria: Invitae Variant Classification Sherloc (09022015). Collection method: clinical testing. Allele origin: germline.
Comment: This sequence change replaces serine, which is neutral and polar, with glycine, which is neutral and non-polar, at codon 2797 of the RYR2 protein (p.Ser2797Gly). This variant is not present in population databases (gnomAD no frequency). This variant has not been reported in the literature in individuals affected with RYR2-related conditions. Advanced modeling of protein sequence and biophysical properties (such as structural, functional, and spatial information, amino acid conservation, physicochemical variation, residue mobility, and thermodynamic stability) performed at Invitae indicates that this missense variant is not expected to disrupt RYR2 protein function. In summary, the available evidence is currently insufficient to determine the role of this variant in disease. Therefore, it has been classified as a Variant of Uncertain Significance.

NM_001035.3(RYR2):c.8389A>G (p.Ser2797Gly)

Gene: RYR2 (ryanodine receptor 2; plus strand). Cytogenetic location: 1q43.
Variant type: single nucleotide variant.
Coding change: c.8389A>G on transcript NM_001035.3 (MANE Select); coding-DNA position 8389, A replaced by G.
Protein change: p.Ser2797Gly; replaces serine 2797 with glycine.
Molecular consequence: missense variant.
Genome position (GRCh38, 1-based): chr1:237,660,900, A>G. VCF-style: chr1-237660900-A-G. GRCh37 (hg19) VCF-style: chr1-237824200-A-G.
Other names: short protein forms S2797G.
Identifiers: ClinVar variation 2774344 (VCV002774344.5), dbSNP rs1159546004, ClinGen allele CA345401925.
Genomic context (GRCh38, chr1:237,660,900, plus strand): 5'-GAATCTTTAAAAACTATGCTGGCTTGGGGCTGGAGAATTGAAAGAACTCGGGAGGGAGAC[A>G]GCATGGCCCTTTACAACCGGACTCGTCGTATTTCTCAGACAAGCCAGGTAAGAATTCATC-3'
Protein context (NP_001026.2, residues 2787-2807): WRIERTREGD[Ser2797Gly]MALYNRTRRI